The following is an entry in ClinVar:

NM_021076.4(NEFH):c.1417_1425dup (p.Glu473_Glu475dup)

Gene: NEFH (neurofilament heavy chain; plus strand). Cytogenetic location: 22q12.2.
Variant type: Duplication.
Coding change: c.1417_1425dup on transcript NM_021076.4 (MANE Select); coding-DNA positions 1417 to 1425, 9 bases duplicated (GAAGAGGAG; older notation c.1417_1425dupGAAGAGGAG).
Protein change: p.Glu473_Glu475dup.
Molecular consequence: inframe insertion.
Genome position (GRCh38, 1-based): chr22:29,489,057-29,489,065, GAAGAGGAG duplicated. VCF-style (leftmost placement, unchanged base first): chr22-29489056-A-AGAAGAGGAG. GRCh37 (hg19) VCF-style: chr22-29885045-A-AGAAGAGGAG.
Identifiers: ClinVar variation 1450656 (VCV001450656.6), dbSNP rs781012295, ClinGen allele CA10174204.

ClinVar aggregate classification (germline): Uncertain significance (1 of 4 stars; one submission).

Allele frequency attached by ClinVar (database versions not stated): gnomAD exomes below 0.00001; ExAC 0.00001.

Submission:

Labcorp Genetics (formerly Invitae), Labcorp
Classification: Uncertain significance. Last evaluated: 2021-12-09. Review status: criteria provided, single submitter. Criteria: Invitae Variant Classification Sherloc (09022015). Collection method: clinical testing. Allele origin: germline.
Comment: In summary, the available evidence is currently insufficient to determine the role of this variant in disease. Therefore, it has been classified as a Variant of Uncertain Significance. This variant has not been reported in the literature in individuals affected with NEFH-related conditions. This variant is present in population databases (rs781012295, gnomAD 0.003%). This variant, c.1417_1425dup, results in the insertion of 3 amino acid(s) of the NEFH protein (p.Glu473_Glu475dup), but otherwise preserves the integrity of the reading frame.